The following is an entry in ClinVar:

ClinVar aggregate classification (germline): Likely pathogenic (1 of 4 stars; one submission).

Submission:

GeneDx
Classification: Likely pathogenic. Last evaluated: 2023-08-28. Review status: criteria provided, single submitter. Criteria: GeneDx Variant Classification Process June 2021. Collection method: clinical testing. Allele origin: germline. Affected: yes.
Comment: Has not been previously published as pathogenic or benign to our knowledge; Not observed at significant frequency in large population cohorts (gnomAD); Frameshift variant predicted to result in protein truncation or nonsense mediated decay in a gene for which loss of function is a known mechanism of disease; This variant is associated with the following publications: (PMID: 32906206)

NM_170707.4(LMNA):c.329del (p.Arg110fs)

Gene: LMNA (lamin A/C; plus strand). Cytogenetic location: 1q22.
Variant type: Deletion.
Coding change: c.329del on transcript NM_170707.4 (MANE Select); coding-DNA position 329, one base deleted (G; older notation c.329delG).
Protein change: p.Arg110fs; shifts the reading frame from arginine 110.
Molecular consequence: frameshift variant.
Genome position (GRCh38, 1-based): chr1:156,115,247, G deleted. VCF-style (leftmost placement, unchanged base first): chr1-156115246-CG-C. GRCh37 (hg19) VCF-style: chr1-156085037-CG-C.
Other names: c.329del, p.Arg110fs (NM_001282625.2, NM_001282626.2, NM_005572.4 and 1 more transcripts); c.329delG (NM_170707.2); c.329del (NM_170707.2); short protein forms R110fs.
Identifiers: ClinVar variation 200954 (VCV000200954.4), dbSNP rs794728603, ClinGen allele CA017885.